The following is an entry in ClinVar:

ClinVar aggregate classification (germline): Conflicting classifications of pathogenicity. Review status: criteria provided, conflicting classifications (1 of 4 stars). 3 submissions from 3 submitters: Uncertain significance (2); Likely benign (1). Last evaluated 2026-01-19.

Conditions:
Charcot-Marie-Tooth disease axonal type 2O. Also called: CHARCOT-MARIE-TOOTH NEUROPATHY, AXONAL, TYPE 2O; CHARCOT-MARIE-TOOTH DISEASE, AXONAL, AUTOSOMAL DOMINANT, TYPE 2O; Charcot-Marie-Tooth Neuropathy Type 2O; Charcot-Marie-Tooth disease, axonal, type 20. Identifiers: Orphanet 284232, MedGen C3280220, MONDO:0013644, OMIM 614228.
DYNC1H1-related disorder. Also called: DYNC1H1-related disorders; DYNC1H1-related condition. Identifiers: MedGen CN381529.
Inborn genetic diseases. Identifiers: MedGen C0950123, MeSH D030342.

Allele frequency attached by ClinVar (database versions not stated): ExAC 0.00001; gnomAD exomes 0.00001.
gnomAD v4.1: 11 of 1,614,108 alleles (0.00068%); highest among the groups gnomAD compares: Admixed American, 0.0017%; no homozygotes.

Submissions (3):

Labcorp Genetics (formerly Invitae), Labcorp
Classification: Likely benign for Charcot-Marie-Tooth disease axonal type 2O. Last evaluated: 2026-01-19. Review status: criteria provided, single submitter. Criteria: Invitae Variant Classification Sherloc (09022015). Collection method: clinical testing. Allele origin: germline.

PreventionGenetics, part of Exact Sciences
Classification: Uncertain significance for DYNC1H1-related condition. Last evaluated: 2025-06-26. Review status: criteria provided, single submitter. Criteria: ACMG Guidelines, 2015. Collection method: clinical testing. Allele origin: germline.
Comment: The DYNC1H1 c.5987C>G variant is predicted to result in the amino acid substitution p.Pro1996Arg. To our knowledge, this variant has not been reported in the literature. This variant is reported in 0.0029% of alleles in individuals of Latino descent in gnomAD. At this time, the clinical significance of this variant is uncertain due to the absence of conclusive functional and genetic evidence.

Ambry Genetics
Classification: Uncertain significance for Inborn genetic diseases. Last evaluated: 2024-01-22. Review status: criteria provided, single submitter. Criteria: Ambry Variant Classification Scheme 2023. Collection method: clinical testing. Allele origin: germline.

NM_001376.5(DYNC1H1):c.5987C>G (p.Pro1996Arg)

Gene: DYNC1H1 (dynein cytoplasmic 1 heavy chain 1; plus strand). Cytogenetic location: 14q32.31.
Variant type: single nucleotide variant.
Coding change: c.5987C>G on transcript NM_001376.5 (MANE Select); coding-DNA position 5987, C replaced by G.
Protein change: p.Pro1996Arg; replaces proline 1996 with arginine.
Molecular consequence: missense variant.
Genome position (GRCh38, 1-based): chr14:102,009,852, C>G. VCF-style: chr14-102009852-C-G. GRCh37 (hg19) VCF-style: chr14-102476189-C-G.
Other names: c.5987C>G (NM_001376.4); short protein forms P1996R.
Identifiers: ClinVar variation 1002297 (VCV001002297.10), dbSNP rs752903521, ClinGen allele CA7352540.